The following is an entry in ClinVar:

NM_001170629.2(CHD8):c.236C>G (p.Ser79Cys)

Gene: CHD8 (chromodomain helicase DNA binding protein 8; minus strand). Cytogenetic location: 14q11.2.
Variant type: single nucleotide variant.
Coding change: c.236C>G on transcript NM_001170629.2 (MANE Select); coding-DNA position 236, C replaced by G.
Protein change: p.Ser79Cys; replaces serine 79 with cysteine.
Molecular consequence: missense variant. On other transcripts: intron variant (1).
Genome position (GRCh38, 1-based): chr14:21,431,408, G>C on the plus strand (C>G on the coding strand, the complement: CHD8 is on the minus strand). VCF-style: chr14-21431408-G-C. GRCh37 (hg19) VCF-style: chr14-21899567-G-C.
Other names: c.6+403C>G (NM_020920.4); short protein forms S79C.
Identifiers: ClinVar variation 2306949 (VCV002306949.5), dbSNP rs2502016361, ClinGen allele CA388890100.
Genomic context (GRCh38, chr14:21,431,408, plus strand): 5'-GGCTGAGTGGTATAATCATGCAAGGTTATGGATTCTGGAGCTGGAGCTGTGGATTCTTTG[G>C]AAAGTTCTGTGGGAGCTGTTTCCTCTGGTGGAGGGACCAGTTCACTTGCTGATGAATTCC-3'
Protein context (NP_001164100.1, residues 69-89): PPEETAPTEL[Ser79Cys]KESTAPAPES

ClinVar aggregate classification (germline): Uncertain significance. Review status: criteria provided, multiple submitters, no conflicts (2 of 4 stars). 2 submissions from 2 submitters: Uncertain significance (2). Last evaluated 2023-08-17.

Conditions:
Inborn genetic diseases. Identifiers: MedGen C0950123, MeSH D030342.

gnomAD v4.1: 1 of 1,537,244 alleles (0.000065%); highest among the groups gnomAD compares: East Asian, 0.0024%; no homozygotes.

Submissions (2):

Labcorp Genetics (formerly Invitae), Labcorp
Classification: Uncertain significance. Last evaluated: 2023-08-17. Review status: criteria provided, single submitter. Criteria: Invitae Variant Classification Sherloc (09022015). Collection method: clinical testing. Allele origin: germline.
Comment: This sequence change replaces serine, which is neutral and polar, with cysteine, which is neutral and slightly polar, at codon 79 of the CHD8 protein (p.Ser79Cys). This variant is not present in population databases (gnomAD no frequency). This variant has not been reported in the literature in individuals affected with CHD8-related conditions. ClinVar contains an entry for this variant (Variation ID: 2306949). An algorithm developed to predict the effect of missense changes on protein structure and function (PolyPhen-2) suggests that this variant is likely to be tolerated. In summary, the available evidence is currently insufficient to determine the role of this variant in disease. Therefore, it has been classified as a Variant of Uncertain Significance.

Ambry Genetics
Classification: Uncertain significance for Inborn genetic diseases. Last evaluated: 2022-08-12. Review status: criteria provided, single submitter. Criteria: Ambry Variant Classification Scheme 2023. Collection method: clinical testing. Allele origin: germline.